The following is an entry in ClinVar:

ClinVar aggregate classification (germline): Conflicting classifications of pathogenicity. Review status: criteria provided, conflicting classifications (1 of 4 stars). 2 submissions from 2 submitters: Uncertain significance (1); Likely benign (1). Last evaluated 2025-08-29.

Allele frequency attached by ClinVar (database versions not stated): gnomAD 0.00001; gnomAD exomes 0.00001 and 0.00002; ExAC 0.00003.
gnomAD v4.1: 16 of 1,610,576 alleles (0.00099%); highest among the groups gnomAD compares: Admixed American, 0.0017%; no homozygotes.

Submissions (2):

Labcorp Genetics (formerly Invitae), Labcorp
Classification: Likely benign. Last evaluated: 2025-08-29. Review status: criteria provided, single submitter. Criteria: Invitae Variant Classification Sherloc (09022015). Collection method: clinical testing. Allele origin: germline.

Women's Health and Genetics/Laboratory Corporation of America, LabCorp
Classification: Uncertain significance. Last evaluated: 2025-06-17. Review status: criteria provided, single submitter. Criteria: LabCorp Variant Classification Summary - May 2015. Collection method: clinical testing. Allele origin: germline.
Comment: Variant summary: PPP2R1A c.694G>A (p.Ala232Thr) results in a non-conservative amino acid change in the encoded protein sequence. Algorithms developed to predict the effect of missense changes on protein structure and function are either unavailable or do not agree on the potential impact of this missense change. The variant allele was found at a frequency of 2.4e-05 in 247694 control chromosomes. The available data on variant occurrences in the general population are insufficient to allow any conclusion about variant significance. To our knowledge, no occurrence of c.694G>A in individuals affected with Houge-Janssens syndrome 2 and no experimental evidence demonstrating its impact on protein function have been reported. ClinVar contains an entry for this variant (Variation ID: 1619112). Based on the evidence outlined above, the variant was classified as uncertain significance.

NM_014225.6(PPP2R1A):c.694G>A (p.Ala232Thr)

Gene: PPP2R1A (protein phosphatase 2 scaffold subunit Aalpha; plus strand). Cytogenetic location: 19q13.41.
Variant type: single nucleotide variant.
Coding change: c.694G>A on transcript NM_014225.6 (MANE Select); coding-DNA position 694, G replaced by A.
Protein change: p.Ala232Thr; replaces alanine 232 with threonine.
Molecular consequence: missense variant. On other transcripts: non-coding transcript variant (1).
Genome position (GRCh38, 1-based): chr19:52,212,997, G>A. VCF-style: chr19-52212997-G-A. GRCh37 (hg19) VCF-style: chr19-52716250-G-A.
Other names: c.157G>A, p.Ala53Thr (NM_001363656.2); short protein forms A232T, A53T.
Identifiers: ClinVar variation 1619112 (VCV001619112.9), dbSNP rs769334090, ClinGen allele CA9621408.